The following is an entry in ClinVar:

ClinVar aggregate classification (germline): Uncertain significance. Review status: criteria provided, multiple submitters, no conflicts (2 of 4 stars). 2 submissions from 2 submitters: Uncertain significance (2). Last evaluated 2025-05-01.

Conditions:
Arrhythmogenic right ventricular dysplasia 13. Also called: ARRHYTHMOGENIC RIGHT VENTRICULAR CARDIOMYOPATHY 13; Arrhythmogenic right ventricular dysplasia, familial, 13. Identifiers: MedGen C3810138, MONDO:0000908, OMIM 615616.

Allele frequency attached by ClinVar (database versions not stated): gnomAD exomes below 0.00001.
gnomAD v4.1: 1 of 1,612,334 alleles (0.000062%); highest among the groups gnomAD compares: Non-Finnish European, 0.000085%; no homozygotes.

Submissions (2):

Labcorp Genetics (formerly Invitae), Labcorp
Classification: Uncertain significance for Arrhythmogenic right ventricular dysplasia 13. Last evaluated: 2025-05-01. Review status: criteria provided, single submitter. Criteria: Invitae Variant Classification Sherloc (09022015). Collection method: clinical testing. Allele origin: germline.
Comment: This sequence change replaces alanine, which is neutral and non-polar, with threonine, which is neutral and polar, at codon 767 of the CTNNA3 protein (p.Ala767Thr). This variant is not present in population databases (gnomAD no frequency). This variant has not been reported in the literature in individuals affected with CTNNA3-related conditions. ClinVar contains an entry for this variant (Variation ID: 1789211). Invitae Evidence Modeling of protein sequence and biophysical properties (such as structural, functional, and spatial information, amino acid conservation, physicochemical variation, residue mobility, and thermodynamic stability) has been performed for this missense variant. However, the output from this modeling did not meet the statistical confidence thresholds required to predict the impact of this variant on CTNNA3 protein function. In summary, the available evidence is currently insufficient to determine the role of this variant in disease. Therefore, it has been classified as a Variant of Uncertain Significance.

Ambry Genetics
Classification: Uncertain significance. Last evaluated: 2021-07-08. Review status: criteria provided, single submitter. Criteria: Ambry Variant Classification Scheme 2023. Collection method: clinical testing. Allele origin: germline.
Comment: The p.A767T variant (also known as c.2299G>A), located in coding exon 16 of the CTNNA3 gene, results from a G to A substitution at nucleotide position 2299. The alanine at codon 767 is replaced by threonine, an amino acid with similar properties. This amino acid position is conserved. In addition, this alteration is predicted to be tolerated by in silico analysis. Since supporting evidence is limited at this time, the clinical significance of this alteration remains unclear.

NM_013266.4(CTNNA3):c.2299G>A (p.Ala767Thr)

Gene: CTNNA3 (catenin alpha 3; minus strand). Cytogenetic location: 10q21.3.
Variant type: single nucleotide variant.
Coding change: c.2299G>A on transcript NM_013266.4 (MANE Select); coding-DNA position 2299, G replaced by A.
Protein change: p.Ala767Thr; replaces alanine 767 with threonine.
Molecular consequence: missense variant.
Genome position (GRCh38, 1-based): chr10:65,966,713, C>T on the plus strand (G>A on the coding strand, the complement: CTNNA3 is on the minus strand). VCF-style: chr10-65966713-C-T. GRCh37 (hg19) VCF-style: chr10-67726471-C-T.
Other names: c.2299G>A, p.Ala767Thr (NM_001127384.3); short protein forms A767T.
Identifiers: ClinVar variation 1789211 (VCV001789211.3), dbSNP rs972917241, ClinGen allele CA208954165.